The following is an entry in ClinVar:

ClinVar aggregate classification (germline): Uncertain significance (1 of 4 stars; one submission).

Conditions:
Capillary malformation-arteriovenous malformation syndrome. Also called: Capillary malformation-arteriovenous malformation. Identifiers: Orphanet 137667, MedGen C1842180, MONDO:0012016.

Allele frequency attached by ClinVar (database versions not stated): gnomAD exomes 0.00001.
gnomAD v4.1: 12 of 1,611,540 alleles (0.00074%); highest among the groups gnomAD compares: Non-Finnish European, 0.001%; no homozygotes.

Submission:

Labcorp Genetics (formerly Invitae), Labcorp
Classification: Uncertain significance for Capillary malformation-arteriovenous malformation syndrome. Last evaluated: 2022-05-28. Review status: criteria provided, single submitter. Criteria: Invitae Variant Classification Sherloc (09022015). Collection method: clinical testing. Allele origin: germline.
Comment: This sequence change replaces valine, which is neutral and non-polar, with glycine, which is neutral and non-polar, at codon 77 of the RASA1 protein (p.Val77Gly). This variant has not been reported in the literature in individuals affected with RASA1-related conditions. This variant is not present in population databases (gnomAD no frequency). Algorithms developed to predict the effect of missense changes on protein structure and function output the following: SIFT: "Tolerated"; PolyPhen-2: "Benign"; Align-GVGD: "Class C0". The glycine amino acid residue is found in multiple mammalian species, which suggests that this missense change does not adversely affect protein function. In summary, the available evidence is currently insufficient to determine the role of this variant in disease. Therefore, it has been classified as a Variant of Uncertain Significance.

NM_002890.3(RASA1):c.230T>G (p.Val77Gly)

Gene: RASA1 (RAS p21 protein activator 1; plus strand). Cytogenetic location: 5q14.3.
Variant type: single nucleotide variant.
Coding change: c.230T>G on transcript NM_002890.3 (MANE Select); coding-DNA position 230, T replaced by G.
Protein change: p.Val77Gly; replaces valine 77 with glycine.
Molecular consequence: missense variant.
Genome position (GRCh38, 1-based): chr5:87,268,681, T>G. VCF-style: chr5-87268681-T-G. GRCh37 (hg19) VCF-style: chr5-86564498-T-G.
Other names: short protein forms V77G.
Identifiers: ClinVar variation 1980651 (VCV001980651.4), dbSNP rs2531002680, ClinGen allele CA360417022.